The following is an entry in ClinVar:

ClinVar aggregate classification (germline): Likely pathogenic (1 of 4 stars; one submission).

Conditions:
DeSanto-Shinawi syndrome due to WAC point mutation (DESSH). Also called: WAC-Related Intellectual Disability; DEVELOPMENTAL DELAY, BEHAVIORAL ABNORMALITIES, FACIAL DYSMORPHISM, AND OCULAR ABNORMALITIES; Facial dysmorphism-developmental delay-behavioral abnormalities syndrome due to WAC point mutation. Identifiers: Orphanet 284169, Orphanet 466950, MedGen C5681129, MONDO:0014741, OMIM 616708.

Submission:

MGZ Medical Genetics Center
Classification: Likely pathogenic for DeSanto-Shinawi syndrome due to WAC point mutation. Last evaluated: 2022-06-09. Review status: criteria provided, single submitter. Criteria: ACMG Guidelines, 2015. Collection method: clinical testing. Allele origin: germline. Affected: yes. Observed: 1 variant allele.
Comment: ACMG criteria applied: PVS1, PM2_SUP

NM_016628.5(WAC):c.272del (p.Gly91fs)

Gene: WAC (WW domain containing adaptor with coiled-coil; plus strand). Cytogenetic location: 10p12.1.
Variant type: Deletion.
Coding change: c.272del on transcript NM_016628.5 (MANE Select); coding-DNA position 272, one base deleted (G; older notation c.272delG).
Protein change: p.Gly91fs; shifts the reading frame from glycine 91.
Molecular consequence: frameshift variant.
Genome position (GRCh38, 1-based): chr10:28,535,755, G deleted; the last of 2 consecutive G bases (chr10:28,535,754-28,535,755); deleting either gives the same sequence. VCF-style (leftmost placement, unchanged base first): chr10-28535753-TG-T. GRCh37 (hg19) VCF-style: chr10-28824682-TG-T.
Other names: c.137del, p.Gly46fs (NM_100264.3); c.272del, p.Gly91fs (NM_100486.4); short protein forms G46fs, G91fs.
Identifiers: ClinVar variation 1709504 (VCV001709504.2), dbSNP rs2491537238, ClinGen allele CA2580081437.